The following is an entry in ClinVar:

ClinVar aggregate classification (germline): Uncertain significance. Review status: reviewed by expert panel (3 of 4 stars). 3 submissions from 3 submitters: Uncertain significance (1). 2 of the submissions do not count toward it. Last evaluated 2024-12-03.

Conditions:
Mitochondrial disease. Also called: Mitochondrial disorder; Mitochondrial disorders. Identifiers: Orphanet 68380, MedGen C0751651, MeSH D028361, MONDO:0044970.
MELAS syndrome (MELAS). Also called: Juvenile myopathy, encephalopathy, lactic acidosis, stroke. Identifiers: Orphanet 550, MedGen C0162671, MONDO:0010789, OMIM 540000.

Submissions (3):

ClinGen Mitochondrial Disease Nuclear and Mitochondrial  Variant Curation Expert Panel, ClinGen
Classification: Uncertain significance for Mitochondrial disease. Last evaluated: 2024-12-03. Review status: reviewed by expert panel. Criteria: clingen mito disease acmg specifications v1-1. Collection method: curation. Allele origin: germline. Inheritance: Mitochondrial inheritance.
Comment: The m.10406G>A variant in MT-TR has been reported in two individuals with primary mitochondrial disease (PMIDs: 17588757, 31965079). Clinical features in affected individuals include myopathy, autism spectrum disorder, and exercise intolerance. The first reported individual had reduced activities of complexes I and IV in skeletal muscle had the variant present at 96% heteroplasmy in muscle, 94% in urine, 36% in buccal mucosa, 29% in blood, and 0-7% in hair follicles (PMID: 17588757). The variant was undetectable in the mother and siblings (PMID: 17588757; PM6_supporting). The variant was present at 17% heteroplasmy in blood in the second reported individual and information on family members was not provided (PMID: 31965079). This variant is absent in the GenBank dataset and gnomAD v3.1.2, and there is one heteroplasmic occurrence in the Helix dataset (PM2_supporting). MitoTIP predicts the variant is possibly pathogenic (72.3 percentile) and HmtVAR predicts the variant is pathogenic (score of 0.45; PP3). There are no single fiber studies or other functional assays reported for this variant. In summary, this variant meets criteria to be classified as uncertain significance for primary mitochondrial disease inherited in a mitochondrial manner. This classification was approved by the NICHD/NINDS U24 ClinGen Mitochondrial Disease Variant Curation Expert Panel on December 3, 2024. Mitochondrial DNA-specific ACMG/AMP criteria applied (PMID: 32906214): PM6_supporting, PM2_supporting, PP3.

Mendelics
Classification: Pathogenic for Mitochondrial disease. Last evaluated: 2022-05-04. Review status: criteria provided, single submitter. Criteria: Mendelics Assertion Criteria 2019. Collection method: clinical testing. Allele origin: germline. Not counted in ClinVar's aggregate classification.

Wong Mito Lab, Molecular and Human Genetics, Baylor College of Medicine
Classification: Likely pathogenic for MELAS syndrome. Last evaluated: 2019-07-12. Review status: criteria provided, single submitter. Criteria: Modified ACMG Guidelines (Unpublished). Collection method: clinical testing. Allele origin: germline. Not counted in ClinVar's aggregate classification.
Comment: The NC_012920.1:m.10406G>A variant in MT-TR gene is interpreted to be a Likely Pathogenic variant based on the modified ACMG guidelines (unpublished). This variant meets the following evidence codes reported in the guidelines: PM7, PM8, PM9, PM10

Literature cited by the submitters: PubMed 31965079 (cited by Wong Mito Lab, Molecular and Human Genetics, Baylor College of Medicine).

NC_012920.1(MT-TR):m.10406G>A

Gene: MT-TR (mitochondrially encoded tRNA arginine; plus strand).
Variant type: single nucleotide variant.
Genome position: chrM-10406-G-A.
Identifiers: ClinVar variation 690112 (VCV000690112.3), dbSNP rs1603222826, ClinGen allele CA913163107.